The following is an entry in ClinVar:

ClinVar aggregate classification (germline): Uncertain significance. Review status: criteria provided, multiple submitters, no conflicts (2 of 4 stars). 2 submissions from 2 submitters: Uncertain significance (2). Last evaluated 2025-04-28.

Conditions:
Cardiovascular phenotype. Identifiers: MedGen CN230736.
Dilated cardiomyopathy 1JJ (CMD1JJ). Identifiers: Orphanet 154, MedGen C3808935, MONDO:0014095, OMIM 615235.

Allele frequency attached by ClinVar (database versions not stated): gnomAD 0.00001; gnomAD exomes 0.00002; ESP Exome Variant Server 0.00008; ExAC 0.00002.
gnomAD v4.1: 18 of 1,613,906 alleles (0.0011%); highest among the groups gnomAD compares: Admixed American, 0.0067%; no homozygotes.

Submissions (2):

Labcorp Genetics (formerly Invitae), Labcorp
Classification: Uncertain significance for Dilated cardiomyopathy 1JJ. Last evaluated: 2025-04-28. Review status: criteria provided, single submitter. Criteria: Invitae Variant Classification Sherloc (09022015). Collection method: clinical testing. Allele origin: germline.
Comment: This sequence change replaces proline, which is neutral and non-polar, with leucine, which is neutral and non-polar, at codon 865 of the LAMA4 protein (p.Pro865Leu). This variant is present in population databases (rs375497091, gnomAD 0.01%). This variant has not been reported in the literature in individuals affected with LAMA4-related conditions. ClinVar contains an entry for this variant (Variation ID: 1470194). An algorithm developed to predict the effect of missense changes on protein structure and function (PolyPhen-2) suggests that this variant is likely to be disruptive. In summary, the available evidence is currently insufficient to determine the role of this variant in disease. Therefore, it has been classified as a Variant of Uncertain Significance.

Ambry Genetics
Classification: Uncertain significance for Cardiovascular phenotype. Last evaluated: 2022-02-07. Review status: criteria provided, single submitter. Criteria: Ambry Variant Classification Scheme 2023. Collection method: clinical testing. Allele origin: germline.
Comment: The p.P865L variant (also known as c.2594C>T), located in coding exon 19 of the LAMA4 gene, results from a C to T substitution at nucleotide position 2594. The proline at codon 865 is replaced by leucine, an amino acid with similar properties. This amino acid position is conserved. In addition, this alteration is predicted to be tolerated by in silico analysis. Since supporting evidence is limited at this time, the clinical significance of this alteration remains unclear.

NM_001105206.3(LAMA4):c.2615C>T (p.Pro872Leu)

Gene: LAMA4 (laminin subunit alpha 4; minus strand). Cytogenetic location: 6q21.
Variant type: single nucleotide variant.
Coding change: c.2615C>T on transcript NM_001105206.3 (MANE Select); coding-DNA position 2615, C replaced by T.
Protein change: p.Pro872Leu; replaces proline 872 with leucine.
Molecular consequence: missense variant.
Genome position (GRCh38, 1-based): chr6:112,142,171, G>A on the plus strand (C>T on the coding strand, the complement: LAMA4 is on the minus strand). VCF-style: chr6-112142171-G-A. GRCh37 (hg19) VCF-style: chr6-112463373-G-A.
Other names: c.2594C>T, p.Pro865Leu (NM_001105207.3, NM_002290.5); short protein forms P865L, P872L.
Identifiers: ClinVar variation 1470194 (VCV001470194.8), dbSNP rs375497091, ClinGen allele CA3965432.